The following is an entry in ClinVar:

NM_004655.4(AXIN2):c.2346G>A (p.Lys782=)

Gene: AXIN2 (axin 2; minus strand). Cytogenetic location: 17q24.1.
Variant type: single nucleotide variant.
Coding change: c.2346G>A on transcript NM_004655.4 (MANE Select); coding-DNA position 2346, G replaced by A.
Protein change: p.Lys782=; no amino-acid change (lysine 782 retained).
Molecular consequence: synonymous variant.
Genome position (GRCh38, 1-based): chr17:65,533,971, C>T on the plus strand (G>A on the coding strand, the complement: AXIN2 is on the minus strand). VCF-style: chr17-65533971-C-T. GRCh37 (hg19) VCF-style: chr17-63530089-C-T.
Other names: c.2151G>A, p.Lys717= (NM_001363813.1).
Identifiers: ClinVar variation 753272 (VCV000753272.12), dbSNP rs1598093895, ClinGen allele CA501475906.

ClinVar aggregate classification (germline): Benign/Likely benign. Review status: criteria provided, multiple submitters, no conflicts (2 of 4 stars). 3 submissions from 3 submitters: Benign (1); Likely benign (2). Last evaluated 2026-04-03.

Conditions:
Hereditary cancer-predisposing syndrome. Also called: Neoplastic Syndromes, Hereditary; Hereditary neoplastic syndrome; Hereditary Cancer Syndrome; Tumor predisposition. Identifiers: Orphanet 140162, MedGen C0027672, MeSH D009386, MONDO:0015356.
Oligodontia-cancer predisposition syndrome. Also called: TOOTH AGENESIS-COLORECTAL CANCER SYNDROME. Identifiers: Orphanet 300576, MedGen C1837750, MONDO:0012075, OMIM 608615. Disease mechanism: loss of function.

Submissions (3):

Ambry Genetics
Classification: Likely benign for Hereditary cancer-predisposing syndrome. Last evaluated: 2026-04-03. Review status: criteria provided, single submitter. Criteria: Ambry Variant Classification Scheme 2023. Collection method: clinical testing. Allele origin: germline.

Labcorp Genetics (formerly Invitae), Labcorp
Classification: Likely benign for Oligodontia-cancer predisposition syndrome. Last evaluated: 2025-01-29. Review status: criteria provided, single submitter. Criteria: Invitae Variant Classification Sherloc (09022015). Collection method: clinical testing. Allele origin: germline.

Myriad Genetics, Inc.
Classification: Benign for Oligodontia-cancer predisposition syndrome. Last evaluated: 2024-07-10. Review status: criteria provided, single submitter. Criteria: Myriad Autosomal Dominant, Autosomal Recessive and X-Linked Classification Criteria (2023). Collection method: clinical testing. Allele origin: unknown.
Comment: This variant is considered benign. This variant is a silent/synonymous amino acid change and it is not expected to impact splicing.